The following is an entry in ClinVar:

ClinVar aggregate classification (germline): Likely benign. Review status: criteria provided, single submitter (1 of 4 stars). 2 submissions from 2 submitters: Likely benign (1). 1 of the submissions does not count toward it. Last evaluated 2026-01-02.

Conditions:
Werner syndrome (WRN). Identifiers: Orphanet 902, MedGen C0043119, MONDO:0010196, OMIM 277700.

Allele frequency attached by ClinVar (database versions not stated): gnomAD 0.00001; TOPMed 0.00001.
gnomAD v4.1: 19 of 1,613,294 alleles (0.0012%); highest among the groups gnomAD compares: East Asian, 0.0089%; no homozygotes.

Submissions (2):

Labcorp Genetics (formerly Invitae), Labcorp
Classification: Likely benign for Werner syndrome. Last evaluated: 2026-01-02. Review status: criteria provided, single submitter. Criteria: Invitae Variant Classification Sherloc (09022015). Collection method: clinical testing. Allele origin: germline.

ITMI
No classification provided. Condition: AllHighlyPenetrant. Last evaluated: 2013-09-19. Review status: no classification provided. Collection method: reference population. Allele origin: germline. Not counted in ClinVar's aggregate classification.
Comment: Please see associated publication for description of ethnicities

Literature cited by the submitters: PubMed 24728327 (cited by ITMI).

NM_000553.6(WRN):c.1240C>G (p.Leu414Val)

Gene: WRN (WRN RecQ like helicase; plus strand). Cytogenetic location: 8p12.
Variant type: single nucleotide variant.
Coding change: c.1240C>G on transcript NM_000553.6 (MANE Select); coding-DNA position 1240, C replaced by G.
Protein change: p.Leu414Val; replaces leucine 414 with valine.
Molecular consequence: missense variant.
Genome position (GRCh38, 1-based): chr8:31,081,267, C>G. VCF-style: chr8-31081267-C-G. GRCh37 (hg19) VCF-style: chr8-30938783-C-G.
Other names: short protein forms L414V.
Identifiers: ClinVar variation 135450 (VCV000135450.8), dbSNP rs587778755, ClinGen allele CA162800.